The following is an entry in ClinVar:

NM_001014447.3(CPZ):c.1782G>A (p.Gly594=)

Gene: CPZ (carboxypeptidase Z; plus strand). Cytogenetic location: 4p16.1.
Variant type: single nucleotide variant.
Coding change: c.1782G>A on transcript NM_001014447.3 (MANE Select); coding-DNA position 1782, G replaced by A.
Protein change: p.Gly594=; no amino-acid change (glycine 594 retained).
Molecular consequence: synonymous variant.
Genome position (GRCh38, 1-based): chr4:8,619,440, G>A. VCF-style: chr4-8619440-G-A. GRCh37 (hg19) VCF-style: chr4-8621167-G-A.
Other names: c.1371G>A, p.Gly457= (NM_001014448.3); c.1749G>A, p.Gly583= (NM_003652.4).
Identifiers: ClinVar variation 3038252 (VCV003038252.2), dbSNP rs9342, ClinGen allele CA2854098.
Genomic context (GRCh38, chr4:8,619,440, plus strand): 5'-TGGCCGTGTGGACTTCATTCTGCAACCTCTGGGGATGGGACCCAAGAACTTTATTCATGG[G>A]CTGCGGAGGACTGGGCCCCACGACCCACTGGGAGGTGCCAGCTCTTTGGGGGAGGCCACG-3'
Protein context (NP_001014447.2, residues 584-604): LGMGPKNFIH[Gly594=]LRRTGPHDPL

ClinVar aggregate classification (germline): Benign (0 of 4 stars; one submission).

Conditions:
CPZ-related disorder. Also called: CPZ-related condition.

Allele frequency attached by ClinVar (database versions not stated): ExAC 0.04934; 1000 Genomes Project 0.05990; 1000 Genomes Project 30x 0.06074; TOPMed 0.06455; ESP Exome Variant Server 0.07004.
gnomAD v4.1: 82,042 of 1,613,680 alleles (5.1%); highest among the groups gnomAD compares: African/African-American, 11%; 2,457 homozygotes.

Submission:

PreventionGenetics, part of Exact Sciences
Classification: Benign for CPZ-related condition. Last evaluated: 2019-11-11. Review status: no assertion criteria provided. Collection method: clinical testing. Allele origin: germline.
Comment: This variant is classified as benign based on ACMG/AMP sequence variant interpretation guidelines (Richards et al. 2015 PMID: 25741868, with internal and published modifications).